The following is an entry in ClinVar:

NM_002830.4(PTPN4):c.472C>A (p.Leu158Ile)

Gene: PTPN4 (protein tyrosine phosphatase non-receptor type 4; plus strand). Cytogenetic location: 2q14.2.
Variant type: single nucleotide variant.
Coding change: c.472C>A on transcript NM_002830.4 (MANE Select); coding-DNA position 472, C replaced by A.
Protein change: p.Leu158Ile; replaces leucine 158 with isoleucine.
Molecular consequence: missense variant.
Genome position (GRCh38, 1-based): chr2:119,882,508, C>A. VCF-style: chr2-119882508-C-A. GRCh37 (hg19) VCF-style: chr2-120640084-C-A.
Other names: short protein forms L158I.
Identifiers: ClinVar variation 3043761 (VCV003043761.2), dbSNP rs138361206, ClinGen allele CA1849311.

ClinVar aggregate classification (germline): Likely benign (0 of 4 stars; one submission).

Conditions:
PTPN4-related disorder. Also called: PTPN4-Related Disorders; PTPN4-related condition.

Allele frequency attached by ClinVar (database versions not stated): 1000 Genomes Project 0.00040; 1000 Genomes Project 30x 0.00047; gnomAD 0.00257; TOPMed 0.00264; ESP Exome Variant Server 0.00317; gnomAD exomes 0.00411; ExAC 0.00419.
gnomAD v4.1: 5,976 of 1,522,120 alleles (0.39%); highest among the groups gnomAD compares: Non-Finnish European, 0.49%; 13 homozygotes.

Submission:

PreventionGenetics, part of Exact Sciences
Classification: Likely benign for PTPN4-related condition. Last evaluated: 2022-04-28. Review status: no assertion criteria provided. Collection method: clinical testing. Allele origin: germline.
Comment: This variant is classified as likely benign based on ACMG/AMP sequence variant interpretation guidelines (Richards et al. 2015 PMID: 25741868, with internal and published modifications).